The following is an entry in ClinVar:

ClinVar aggregate classification (germline): Uncertain significance (1 of 4 stars; one submission).

gnomAD v4.1: 8 of 1,481,172 alleles (0.00054%); highest among the groups gnomAD compares: Non-Finnish European, 0.00075%; no homozygotes.

Submission:

Labcorp Genetics (formerly Invitae), Labcorp
Classification: Uncertain significance. Last evaluated: 2021-11-30. Review status: criteria provided, single submitter. Criteria: Invitae Variant Classification Sherloc (09022015). Collection method: clinical testing. Allele origin: germline.
Comment: This variant is not present in population databases (gnomAD no frequency). This sequence change replaces glutamine, which is neutral and polar, with histidine, which is basic and polar, at codon 767 of the ENPP1 protein (p.Gln767His). This variant has not been reported in the literature in individuals affected with ENPP1-related conditions. Algorithms developed to predict the effect of missense changes on protein structure and function output the following: SIFT: "Tolerated"; PolyPhen-2: "Benign"; Align-GVGD: "Class C0". The histidine amino acid residue is found in multiple mammalian species, which suggests that this missense change does not adversely affect protein function. In summary, the available evidence is currently insufficient to determine the role of this variant in disease. Therefore, it has been classified as a Variant of Uncertain Significance.

NM_006208.3(ENPP1):c.2301G>C (p.Gln767His)

Gene: ENPP1 (ectonucleotide pyrophosphatase/phosphodiesterase 1; plus strand). Cytogenetic location: 6q23.2.
Variant type: single nucleotide variant.
Coding change: c.2301G>C on transcript NM_006208.3 (MANE Select); coding-DNA position 2301, G replaced by C.
Protein change: p.Gln767His; replaces glutamine 767 with histidine.
Molecular consequence: missense variant.
Genome position (GRCh38, 1-based): chr6:131,883,764, G>C. VCF-style: chr6-131883764-G-C. GRCh37 (hg19) VCF-style: chr6-132204904-G-C.
Other names: short protein forms Q767H.
Identifiers: ClinVar variation 2020946 (VCV002020946.4), dbSNP rs775961188, ClinGen allele CA4002479.